The following is an entry in ClinVar:

NM_001077525.3(MTMR14):c.355C>T (p.Arg119Cys)

Gene: MTMR14 (myotubularin related protein 14; plus strand). Cytogenetic location: 3p25.3.
Variant type: single nucleotide variant.
Coding change: c.355C>T on transcript NM_001077525.3 (MANE Select); coding-DNA position 355, C replaced by T.
Protein change: p.Arg119Cys; replaces arginine 119 with cysteine.
Molecular consequence: missense variant. On other transcripts: 5 prime UTR variant (13), non-coding transcript variant (7), intron variant (8).
Genome position (GRCh38, 1-based): chr3:9,662,313, C>T. VCF-style: chr3-9662313-C-T. GRCh37 (hg19) VCF-style: chr3-9703997-C-T.
Other names: c.-151C>T (NM_001400533.1, NM_001400535.1, NM_001400539.1 and 1 more transcripts); c.-212C>T (NM_001400534.1, NM_001400538.1, NM_001400541.1 and 3 more transcripts); c.73C>T, p.Arg25Cys (NM_001400537.1, NM_001400525.1, NM_001400529.1 and 1 more transcripts); c.355C>T, p.Arg119Cys (NM_001077526.3, NM_001400519.1, NM_001400520.1 and 4 more transcripts); c.424C>T, p.Arg142Cys (NM_001400518.1, NM_001400521.1, NM_001400526.1); c.355C>T (NM_022485.4); c.-224C>T (NM_001400544.1); c.-361C>T (NM_001400547.1); and 5 more; short protein forms R25C, R119C, R142C.
Identifiers: ClinVar variation 3694492 (VCV003694492.3).

ClinVar aggregate classification (germline): Uncertain significance. Review status: criteria provided, multiple submitters, no conflicts (2 of 4 stars). 2 submissions from 2 submitters: Uncertain significance (2). Last evaluated 2024-12-25.

gnomAD v4.1: 17 of 1,613,268 alleles (0.0011%); highest among the groups gnomAD compares: African/African-American, 0.011%; no homozygotes.

Submissions (2):

Ambry Genetics
Classification: Uncertain significance. Last evaluated: 2024-12-25. Review status: criteria provided, single submitter. Criteria: Ambry Variant Classification Scheme 2023. Collection method: clinical testing. Allele origin: germline.

Labcorp Genetics (formerly Invitae), Labcorp
Classification: Uncertain significance. Last evaluated: 2024-02-24. Review status: criteria provided, single submitter. Criteria: Invitae Variant Classification Sherloc (09022015). Collection method: clinical testing. Allele origin: germline.
Comment: This sequence change replaces arginine, which is basic and polar, with cysteine, which is neutral and slightly polar, at codon 119 of the MTMR14 protein (p.Arg119Cys). This variant is present in population databases (rs751708617, gnomAD 0.01%). This variant has not been reported in the literature in individuals affected with MTMR14-related conditions. Advanced modeling of protein sequence and biophysical properties (such as structural, functional, and spatial information, amino acid conservation, physicochemical variation, residue mobility, and thermodynamic stability) performed at Invitae indicates that this missense variant is not expected to disrupt MTMR14 protein function with a negative predictive value of 80%. In summary, the available evidence is currently insufficient to determine the role of this variant in disease. Therefore, it has been classified as a Variant of Uncertain Significance.